The following is an entry in ClinVar:

NM_153704.6(TMEM67):c.1294A>G (p.Asn432Asp)

Gene: TMEM67 (transmembrane protein 67; plus strand). Cytogenetic location: 8q22.1.
Variant type: single nucleotide variant.
Coding change: c.1294A>G on transcript NM_153704.6 (MANE Select); coding-DNA position 1294, A replaced by G.
Protein change: p.Asn432Asp; replaces asparagine 432 with aspartic acid.
Molecular consequence: missense variant. On other transcripts: non-coding transcript variant (1).
Genome position (GRCh38, 1-based): chr8:93,786,228, A>G. VCF-style: chr8-93786228-A-G. GRCh37 (hg19) VCF-style: chr8-94798456-A-G.
Other names: c.1051A>G, p.Asn351Asp (NM_001142301.1); short protein forms N432D, N351D.
Identifiers: ClinVar variation 1417654 (VCV001417654.3), dbSNP rs768285863, ClinGen allele CA4807927.

ClinVar aggregate classification (germline): Uncertain significance (1 of 4 stars; one submission).

Conditions:
Joubert syndrome. Also called: CEREBELLOPARENCHYMAL DISORDER IV; JOUBERT-BOLTSHAUSER SYNDROME; Familial aplasia of the vermis. Identifiers: Orphanet 475, MedGen C5979921, MONDO:0018772.
Meckel-Gruber syndrome. Also called: DYSENCEPHALIA SPLANCHNOCYSTICA; GRUBER SYNDROME; Dysencephalia splachnocystica. Identifiers: Orphanet 564, MedGen C0265215, MONDO:0018921.

Allele frequency attached by ClinVar (database versions not stated): gnomAD exomes 0.00001; ExAC 0.00002.
gnomAD v4.1: 6 of 1,613,922 alleles (0.00037%); highest among the groups gnomAD compares: South Asian, 0.0066%; no homozygotes.

Submission:

Labcorp Genetics (formerly Invitae), Labcorp
Classification: Uncertain significance for Joubert syndrome; Meckel-Gruber syndrome. Last evaluated: 2021-11-22. Review status: criteria provided, single submitter. Criteria: Invitae Variant Classification Sherloc (09022015). Collection method: clinical testing. Allele origin: germline.
Comment: This sequence change replaces asparagine, which is neutral and polar, with aspartic acid, which is acidic and polar, at codon 432 of the TMEM67 protein (p.Asn432Asp). This variant is present in population databases (rs768285863, gnomAD 0.01%). This variant has not been reported in the literature in individuals affected with TMEM67-related conditions. Advanced modeling of protein sequence and biophysical properties (such as structural, functional, and spatial information, amino acid conservation, physicochemical variation, residue mobility, and thermodynamic stability) performed at Invitae indicates that this missense variant is not expected to disrupt TMEM67 protein function. In summary, the available evidence is currently insufficient to determine the role of this variant in disease. Therefore, it has been classified as a Variant of Uncertain Significance.